The following is an entry in ClinVar:

ClinVar aggregate classification (germline): Uncertain significance. Review status: criteria provided, multiple submitters, no conflicts (2 of 4 stars). 3 submissions from 3 submitters: Uncertain significance (3). Last evaluated 2025-11-06.

Conditions:
Neuropathy, hereditary sensory, type 2C. Also called: KIF1A-Related HSAN2 (HSAN2C); Hereditary sensory and autonomic neuropathy type IIC. Identifiers: Orphanet 970, MedGen C3280168, MONDO:0013634, OMIM 614213.
Intellectual disability, autosomal dominant 9 (NESCAVS). Also called: KIF1A-Related Neurodevelopmental Disorder; NESCAV SYNDROME. Identifiers: Orphanet 662367, MedGen C5393830, MONDO:0013656, OMIM 614255.
Hereditary spastic paraplegia 30. Identifiers: Orphanet 101010, MedGen C5235139, MONDO:0012476.

Allele frequency attached by ClinVar (database versions not stated): ExAC 0.00001; gnomAD exomes 0.00001 and 0.00002; TOPMed 0.00001.
gnomAD v4.1: 24 of 1,613,630 alleles (0.0015%); highest among the groups gnomAD compares: East Asian, 0.0022%; no homozygotes.

Submissions (3):

Labcorp Genetics (formerly Invitae), Labcorp
Classification: Uncertain significance for Hereditary spastic paraplegia 30; Neuropathy, hereditary sensory, type 2C; Intellectual disability, autosomal dominant 9. Last evaluated: 2025-11-06. Review status: criteria provided, single submitter. Criteria: Invitae Variant Classification Sherloc (09022015). Collection method: clinical testing. Allele origin: germline.
Comment: This sequence change replaces valine, which is neutral and non-polar, with methionine, which is neutral and non-polar, at codon 1154 of the KIF1A protein (p.Val1154Met). This variant is present in population databases (rs752703226, gnomAD 0.006%). This missense change has been observed in individuals with clinical features of dominant hereditary spastic paraplegia (internal data). ClinVar contains an entry for this variant (Variation ID: 464235). Invitae Evidence Modeling of protein sequence and biophysical properties (such as structural, functional, and spatial information, amino acid conservation, physicochemical variation, residue mobility, and thermodynamic stability) indicates that this missense variant is not expected to disrupt KIF1A protein function with a negative predictive value of 95%. In summary, the available evidence is currently insufficient to determine the role of this variant in disease. Therefore, it has been classified as a Variant of Uncertain Significance.

Blueprint Genetics
Classification: Uncertain significance. Last evaluated: 2024-08-05. Review status: criteria provided, single submitter. Criteria: ACMG Guidelines, 2015. Collection method: clinical testing. Allele origin: germline.

Molecular Genetics, Royal Melbourne Hospital
Classification: Uncertain significance for Hereditary spastic paraplegia 30. Last evaluated: 2023-09-04. Review status: criteria provided, single submitter. Criteria: ACMG Guidelines, 2015. Collection method: clinical testing. Allele origin: germline. Inheritance: Autosomal dominant inheritance.
Comment: This sequence change in KIF1A is predicted to replace valine with methionine at codon 1255, p.(Val1255Met). The valine residue is highly conserved (100 vertebrates, UCSC), and is not located in an annotated functional domain. There is a small physicochemical difference between valine and methionine. The highest population minor allele frequency in the population database gnomAD v2.1 is 0.006% (1/17,972 alleles) in the East Asian population. To our knowledge, this variant is novel and has not been previously reported in the relevant scientific literature. Computational evidence predicts a benign effect for the missense substitution (REVEL = 0.287). Based on the classification scheme RMH Modified ACMG/AMP Guidelines v1.6.1, this variant is classified as a VARIANT OF UNCERTAIN SIGNIFICANCE. Following criteria are met: BP4.

NM_001244008.2(KIF1A):c.3763G>A (p.Val1255Met)

Genes: KIF1A (kinesin family member 1A; minus strand), LOC126806583 (P300/CBP strongly-dependent group 1 enhancer GRCh37_chr2:241678910-241680109; plus strand). Cytogenetic location: 2q37.3.
Variant type: single nucleotide variant.
Coding change: c.3763G>A on transcript NM_001244008.2 (MANE Select); coding-DNA position 3763, G replaced by A.
Protein change: p.Val1255Met; replaces valine 1255 with methionine.
Molecular consequence: missense variant.
Genome position (GRCh38, 1-based): chr2:240,740,351, C>T on the plus strand (G>A on the coding strand, the complement: KIF1A is on the minus strand). VCF-style: chr2-240740351-C-T. GRCh37 (hg19) VCF-style: chr2-241679768-C-T.
Other names: c.3487G>A, p.Val1163Met (NM_001320705.2, NM_001330289.2, NM_001379638.1); c.3562G>A, p.Val1188Met (NM_001330290.2, NM_001379634.1, NM_001379635.1 and 1 more transcripts); c.3838G>A, p.Val1280Met (NM_001379631.1); c.3712G>A, p.Val1238Met (NM_001379632.1); c.3736G>A, p.Val1246Met (NM_001379633.1, NM_001379642.1, NM_001379645.1); c.3460G>A, p.Val1154Met (NM_001379636.1, NM_001379639.1, NM_001379641.1 and 5 more transcripts); c.3535G>A, p.Val1179Met (NM_001379637.1, NM_001379648.1); c.3457G>A, p.Val1153Met (NM_001379640.1); short protein forms V1154M, V1255M, V1163M, V1188M, V1153M, V1179M, V1238M, V1246M.
Identifiers: ClinVar variation 464235 (VCV000464235.13), dbSNP rs752703226, ClinGen allele CA2207653.